The following is an entry in ClinVar:

NM_024408.4(NOTCH2):c.4081G>A (p.Ala1361Thr)

Gene: NOTCH2 (notch receptor 2; minus strand). Cytogenetic location: 1p12.
Variant type: single nucleotide variant.
Coding change: c.4081G>A on transcript NM_024408.4 (MANE Select); coding-DNA position 4081, G replaced by A.
Protein change: p.Ala1361Thr; replaces alanine 1361 with threonine.
Molecular consequence: missense variant.
Genome position (GRCh38, 1-based): chr1:119,925,735, C>T on the plus strand (G>A on the coding strand, the complement: NOTCH2 is on the minus strand). VCF-style: chr1-119925735-C-T. GRCh37 (hg19) VCF-style: chr1-120468358-C-T.
Other names: short protein forms A1361T.
Identifiers: ClinVar variation 2045895 (VCV002045895.4), dbSNP rs138567855, ClinGen allele CA1039914.

ClinVar aggregate classification (germline): Uncertain significance (1 of 4 stars; one submission).

Conditions:
Hajdu-Cheney syndrome (HJCYS). Also called: ACROOSTEOLYSIS WITH OSTEOPOROSIS AND CHANGES IN SKULL AND MANDIBLE; SERPENTINE FIBULA-POLYCYSTIC KIDNEY SYNDROME; Acroosteolysis dominant type. Identifiers: Orphanet 955, MedGen C0917715, MONDO:0007057, OMIM 102500.

Allele frequency attached by ClinVar (database versions not stated): gnomAD exomes 0.00002; ExAC 0.00003; ESP Exome Variant Server 0.00008.
gnomAD v4.1: 28 of 1,613,948 alleles (0.0017%); highest among the groups gnomAD compares: Middle Eastern, 0.017%; no homozygotes.

Submission:

Labcorp Genetics (formerly Invitae), Labcorp
Classification: Uncertain significance for Hajdu-Cheney syndrome. Last evaluated: 2025-04-27. Review status: criteria provided, single submitter. Criteria: Invitae Variant Classification Sherloc (09022015). Collection method: clinical testing. Allele origin: germline.
Comment: This sequence change replaces alanine, which is neutral and non-polar, with threonine, which is neutral and polar, at codon 1361 of the NOTCH2 protein (p.Ala1361Thr). This variant is present in population databases (rs138567855, gnomAD 0.01%). This variant has not been reported in the literature in individuals affected with NOTCH2-related conditions. ClinVar contains an entry for this variant (Variation ID: 2045895). Invitae Evidence Modeling of protein sequence and biophysical properties (such as structural, functional, and spatial information, amino acid conservation, physicochemical variation, residue mobility, and thermodynamic stability) indicates that this missense variant is not expected to disrupt NOTCH2 protein function with a negative predictive value of 80%. In summary, the available evidence is currently insufficient to determine the role of this variant in disease. Therefore, it has been classified as a Variant of Uncertain Significance.